The following is an entry in ClinVar:

ClinVar aggregate classification (germline): Likely benign (0 of 4 stars; one submission).

Conditions:
MKS1-related disorder. Also called: MKS1-related condition; MKS1-related disorders. Identifiers: MedGen CN239382.

Allele frequency attached by ClinVar (database versions not stated): ExAC 0.00001; gnomAD exomes 0.00003; gnomAD 0.00004.
gnomAD v4.1: 52 of 1,588,950 alleles (0.0033%); highest among the groups gnomAD compares: Non-Finnish European, 0.0042%; no homozygotes.

Submission:

PreventionGenetics, part of Exact Sciences
Classification: Likely benign for MKS1-related condition. Last evaluated: 2022-07-29. Review status: no assertion criteria provided. Collection method: clinical testing. Allele origin: germline.
Comment: This variant is classified as likely benign based on ACMG/AMP sequence variant interpretation guidelines (Richards et al. 2015 PMID: 25741868, with internal and published modifications).

NM_017777.4(MKS1):c.262-48A>T

Gene: MKS1 (MKS transition zone complex subunit 1; minus strand). Cytogenetic location: 17q22.
Variant type: single nucleotide variant.
Coding change: c.262-48A>T on transcript NM_017777.4 (MANE Select); 48 bases into the intron before coding-DNA position 262, A replaced by T.
Molecular consequence: intron variant.
Genome position (GRCh38, 1-based): chr17:58,216,291, T>A on the plus strand (A>T on the coding strand, the complement: MKS1 is on the minus strand). VCF-style: chr17-58216291-T-A. GRCh37 (hg19) VCF-style: chr17-56293652-T-A.
Other names: c.-250-48A>T (NM_001321268.2); c.262-48A>T (NM_001330397.2, NM_001321269.2, NM_001411113.1).
Identifiers: ClinVar variation 3030604 (VCV003030604.2), dbSNP rs763811094, ClinGen allele CA8669583.